The following is an entry in ClinVar:

NM_001365999.1(SZT2):c.2807C>G (p.Pro936Arg)

Gene: SZT2 (SZT2 subunit of KICSTOR complex; plus strand). Cytogenetic location: 1p34.2.
Variant type: single nucleotide variant.
Coding change: c.2807C>G on transcript NM_001365999.1 (MANE Select); coding-DNA position 2807, C replaced by G.
Protein change: p.Pro936Arg; replaces proline 936 with arginine.
Molecular consequence: missense variant.
Genome position (GRCh38, 1-based): chr1:43,425,635, C>G. VCF-style: chr1-43425635-C-G. GRCh37 (hg19) VCF-style: chr1-43891306-C-G.
Other names: c.2807C>G, p.Pro936Arg (NM_015284.4); c.2807C>G (NM_015284.3); short protein forms P936R.
Identifiers: ClinVar variation 1052004 (VCV001052004.11), dbSNP rs756184903, ClinGen allele CA340014494.
Genomic context (GRCh38, chr1:43,425,635, plus strand): 5'-GAGTGGGACCTGGCCCTGGAATCTGGAAGCACCTCCAGGACCTGACGTATTCTGAGATCC[C>G]GCAAGCTGTGAGTGTCCTCAGAACAGTACCCGCACCTCTCTCACTGGATTGGGGTGCCAT-3'
Protein context (NP_001352928.1, residues 926-946): HLQDLTYSEI[Pro936Arg]QALHPRDAAC

ClinVar aggregate classification (germline): Uncertain significance. Review status: criteria provided, multiple submitters, no conflicts (2 of 4 stars). 3 submissions from 3 submitters: Uncertain significance (3). Last evaluated 2023-04-11.

Conditions:
Developmental and epileptic encephalopathy, 18 (DEE18). Also called: Early infantile epileptic encephalopathy 18. Identifiers: Orphanet 369894, MedGen C3809624, MONDO:0014201, OMIM 615476.
Inborn genetic diseases. Identifiers: MedGen C0950123, MeSH D030342.

gnomAD v4.1: 2 of 1,613,862 alleles (0.00012%); highest among the groups gnomAD compares: Non-Finnish European, 0.00017%; no homozygotes.

Submissions (3):

Genome-Nilou Lab
Classification: Uncertain significance for Developmental and epileptic encephalopathy, 18. Last evaluated: 2023-04-11. Review status: criteria provided, single submitter. Criteria: ACMG Guidelines, 2015. Collection method: clinical testing. Allele origin: germline. Affected: no.

Ambry Genetics
Classification: Uncertain significance for Inborn genetic diseases. Last evaluated: 2023-03-20. Review status: criteria provided, single submitter. Criteria: Ambry Variant Classification Scheme 2023. Collection method: clinical testing. Allele origin: germline.

Labcorp Genetics (formerly Invitae), Labcorp
Classification: Uncertain significance. Last evaluated: 2020-10-01. Review status: criteria provided, single submitter. Criteria: Invitae Variant Classification Sherloc (09022015). Collection method: clinical testing. Allele origin: germline.
Comment: This sequence change replaces proline with arginine at codon 936 of the SZT2 protein (p.Pro936Arg). The proline residue is highly conserved and there is a moderate physicochemical difference between proline and arginine. This variant is not present in population databases (ExAC no frequency). This variant has not been reported in the literature in individuals with SZT2-related conditions. Algorithms developed to predict the effect of missense changes on protein structure and function are either unavailable or do not agree on the potential impact of this missense change (SIFT: "Deleterious"; PolyPhen-2: "Probably Damaging"; Align-GVGD: "Class C0"). In summary, the available evidence is currently insufficient to determine the role of this variant in disease. Therefore, it has been classified as a Variant of Uncertain Significance.